The following is an entry in ClinVar:

NM_014244.5(ADAMTS2):c.2266G>A (p.Val756Ile)

Gene: ADAMTS2 (ADAM metallopeptidase with thrombospondin type 1 motif 2; minus strand). Cytogenetic location: 5q35.3.
Variant type: single nucleotide variant.
Coding change: c.2266G>A on transcript NM_014244.5 (MANE Select); coding-DNA position 2266, G replaced by A.
Protein change: p.Val756Ile; replaces valine 756 with isoleucine.
Molecular consequence: missense variant.
Genome position (GRCh38, 1-based): chr5:179,132,254, C>T on the plus strand (G>A on the coding strand, the complement: ADAMTS2 is on the minus strand). VCF-style: chr5-179132254-C-T. GRCh37 (hg19) VCF-style: chr5-178559255-C-T.
Other names: short protein forms V756I.
Identifiers: ClinVar variation 1496356 (VCV001496356.5), dbSNP rs780757881, ClinGen allele CA3595615.

ClinVar aggregate classification (germline): Uncertain significance (1 of 4 stars; one submission).

Conditions:
Ehlers-Danlos syndrome, dermatosparaxis type. Also called: Ehlers-Danlos syndrome, type VII, autosomal recessive; Dermatosparaxis; EDS VIIC. Identifiers: Orphanet 1901, MedGen C2700425, MONDO:0009161, OMIM 225410.

Allele frequency attached by ClinVar (database versions not stated): gnomAD exomes below 0.00001 and 0.00001; TOPMed below 0.00001; ExAC 0.00002.
gnomAD v4.1: 5 of 1,614,186 alleles (0.00031%); highest among the groups gnomAD compares: Middle Eastern, 0.017%; no homozygotes.

Submission:

Labcorp Genetics (formerly Invitae), Labcorp
Classification: Uncertain significance for Ehlers-Danlos syndrome, dermatosparaxis type. Last evaluated: 2021-08-31. Review status: criteria provided, single submitter. Criteria: Invitae Variant Classification Sherloc (09022015). Collection method: clinical testing. Allele origin: germline.
Comment: This sequence change replaces valine with isoleucine at codon 756 of the ADAMTS2 protein (p.Val756Ile). The valine residue is weakly conserved and there is a small physicochemical difference between valine and isoleucine. This variant is present in population databases (rs780757881, ExAC 0.02%). This variant has not been reported in the literature in individuals affected with ADAMTS2-related conditions. Algorithms developed to predict the effect of missense changes on protein structure and function (SIFT, PolyPhen-2, Align-GVGD) all suggest that this variant is likely to be tolerated. In summary, the available evidence is currently insufficient to determine the role of this variant in disease. Therefore, it has been classified as a Variant of Uncertain Significance.